The following is an entry in ClinVar:

ClinVar aggregate classification (germline): Uncertain significance (1 of 4 stars; one submission).

Submission:

GeneDx
Classification: Uncertain significance. Last evaluated: 2026-04-15. Review status: criteria provided, single submitter. Criteria: GeneDx Variant Classification Process June 2021. Collection method: clinical testing. Allele origin: germline.
Comment: Not observed at significant frequency in large population cohorts (gnomAD); In silico analysis supports that this missense variant has a deleterious effect on protein structure/function; Has not been previously published as pathogenic or benign to our knowledge

NM_000987.5(RPL26):c.116G>C (p.Arg39Thr)

Gene: RPL26 (ribosomal protein L26; minus strand). Cytogenetic location: 17p13.1.
Variant type: single nucleotide variant.
Coding change: c.116G>C on transcript NM_000987.5 (MANE Select); coding-DNA position 116, G replaced by C.
Protein change: p.Arg39Thr; replaces arginine 39 with threonine.
Molecular consequence: missense variant.
Genome position (GRCh38, 1-based): chr17:8,382,195, C>G on the plus strand (G>C on the coding strand, the complement: RPL26 is on the minus strand). VCF-style: chr17-8382195-C-G. GRCh37 (hg19) VCF-style: chr17-8285513-C-G.
Other names: c.116G>C, p.Arg39Thr (NM_001315530.2, NM_001315531.2); short protein forms R39T.
Identifiers: ClinVar variation 5037240 (VCV005037240.1).